The following is an entry in ClinVar:

ClinVar aggregate classification (germline): Uncertain significance (1 of 4 stars; one submission).

Submission:

GeneDx
Classification: Uncertain significance. Last evaluated: 2025-05-29. Review status: criteria provided, single submitter. Criteria: GeneDx Variant Classification Process June 2021. Collection method: clinical testing. Allele origin: germline. Affected: yes.
Comment: Not observed at significant frequency in large population cohorts (gnomAD); In silico analysis supports that this missense variant has a deleterious effect on protein structure/function; Has not been previously published as pathogenic or benign to our knowledge

NM_018060.4(IARS2):c.1520T>C (p.Leu507Pro)

Gene: IARS2 (isoleucyl-tRNA synthetase 2, mitochondrial; plus strand). Cytogenetic location: 1q41.
Variant type: single nucleotide variant.
Coding change: c.1520T>C on transcript NM_018060.4 (MANE Select); coding-DNA position 1520, T replaced by C.
Protein change: p.Leu507Pro; replaces leucine 507 with proline.
Molecular consequence: missense variant.
Genome position (GRCh38, 1-based): chr1:220,114,354, T>C. VCF-style: chr1-220114354-T-C. GRCh37 (hg19) VCF-style: chr1-220287696-T-C.
Other names: short protein forms L507P.
Identifiers: ClinVar variation 4532362 (VCV004532362.1).